The following is an entry in ClinVar:

NM_001754.5(RUNX1):c.397A>G (p.Met133Val)

Genes: RUNX1 (RUNX family transcription factor 1; minus strand), RUNX1-AS1 (RUNX1 antisense RNA 1; plus strand). Cytogenetic location: 21q22.12.
Variant type: single nucleotide variant.
Coding change: c.397A>G on transcript NM_001754.5 (MANE Select); coding-DNA position 397, A replaced by G.
Protein change: p.Met133Val; replaces methionine 133 with valine.
Molecular consequence: missense variant.
Genome position (GRCh38, 1-based): chr21:34,880,668, T>C on the plus strand (A>G on the coding strand, the complement: RUNX1 is on the minus strand). VCF-style: chr21-34880668-T-C. GRCh37 (hg19) VCF-style: chr21-36252965-T-C.
Other names: NM_001754.5(RUNX1):c.397A>G; p.Met133Val; c.316A>G, p.Met106Val (NM_001001890.3, NM_001122607.2); short protein forms M106V, M133V.
Identifiers: ClinVar variation 2815164 (VCV002815164.4), dbSNP rs2146362998, ClinGen allele CA410202702.

ClinVar aggregate classification (germline): Uncertain significance. Review status: reviewed by expert panel (3 of 4 stars). 2 submissions from 2 submitters: Uncertain significance (1). 1 of the submissions does not count toward it. Last evaluated 2024-09-12.

Conditions:
Hereditary thrombocytopenia and hematologic cancer predisposition syndrome. Identifiers: Orphanet 71290, MedGen CN281654, MONDO:0011071.
Hereditary thrombocytopenia and hematological cancer predisposition syndrome associated with RUNX1. Also called: Familial Platelet Disorder with Propensity to Acute Myelogenous Leukemia; Familial thrombocytopenia with propensity to acute myelogenous leukemia; PLATELET DISORDER, ASPIRIN-LIKE; RUNX1 Familial Platelet Disorder with Associated Myeloid Malignancies. Identifiers: Orphanet 71290, MedGen C1832388, MeSH C563324, MONDO:0100083, OMIM 601399.

Allele frequency attached by ClinVar (database versions not stated): gnomAD exomes below 0.00001.

Submissions (2):

ClinGen Myeloid Malignancy Variant Curation Expert Panel
Classification: Uncertain significance for Hereditary thrombocytopenia and hematologic cancer predisposition syndrome. Last evaluated: 2024-09-12. Review status: reviewed by expert panel. Criteria: ClinGen MyeloMalig ACMG Specifications v2. Collection method: curation. Allele origin: germline. Inheritance: Autosomal dominant inheritance.
Comment: NM_001754.5(RUNX1):c.397A>G (p.Met133Val) is a missense variant which is located within the Runt Homology Domain (AA 89-204), but does not occur in an established hotspot residue (PM1_supporting). This variant is completely absent from all population databases with at least 20x coverage for RUNX1 (PM2_supporting). In summary, the clinical significance of this variant is uncertain. ACMG/AMP criteria applied, as specified by the Myeloid Malignancy Variant Curation Expert Panel for RUNX1: PM2_supporting, PM1_supporting.

Labcorp Genetics (formerly Invitae), Labcorp
Classification: Uncertain significance for Hereditary thrombocytopenia and hematological cancer predisposition syndrome associated with RUNX1. Last evaluated: 2022-11-19. Review status: criteria provided, single submitter. Criteria: Invitae Variant Classification Sherloc (09022015). Collection method: clinical testing. Allele origin: germline. Not counted in ClinVar's aggregate classification.
Comment: In summary, the available evidence is currently insufficient to determine the role of this variant in disease. Therefore, it has been classified as a Variant of Uncertain Significance. Algorithms developed to predict the effect of missense changes on protein structure and function (SIFT, PolyPhen-2, Align-GVGD) all suggest that this variant is likely to be tolerated. This variant has not been reported in the literature in individuals affected with RUNX1-related conditions. This variant is not present in population databases (gnomAD no frequency). This sequence change replaces methionine, which is neutral and non-polar, with valine, which is neutral and non-polar, at codon 133 of the RUNX1 protein (p.Met133Val).